The following is an entry in ClinVar:

ClinVar aggregate classification (germline): Uncertain significance. Review status: criteria provided, multiple submitters, no conflicts (2 of 4 stars). 2 submissions from 2 submitters: Uncertain significance (2). Last evaluated 2026-04-11.

Conditions:
Hereditary cancer-predisposing syndrome. Also called: Hereditary neoplastic syndrome; Neoplastic Syndromes, Hereditary; Tumor predisposition; Hereditary Cancer Syndrome. Identifiers: Orphanet 140162, MedGen C0027672, MeSH D009386, MONDO:0015356.
EGFR-related lung cancer (EGFR). Identifiers: MedGen CN130014.

Submissions (2):

Ambry Genetics
Classification: Uncertain significance for Hereditary cancer-predisposing syndrome. Last evaluated: 2026-04-11. Review status: criteria provided, single submitter. Criteria: Ambry Variant Classification Scheme 2023. Collection method: clinical testing. Allele origin: germline.
Comment: The p.L144P variant (also known as c.431T>C), located in coding exon 4 of the EGFR gene, results from a T to C substitution at nucleotide position 431. The leucine at codon 144 is replaced by proline, an amino acid with similar properties. This amino acid position is conserved. In addition, this alteration is predicted to be deleterious by in silico analysis. Based on the available evidence, the clinical significance of this variant remains unclear.

Labcorp Genetics (formerly Invitae), Labcorp
Classification: Uncertain significance for EGFR-related lung cancer. Last evaluated: 2024-10-16. Review status: criteria provided, single submitter. Criteria: Invitae Variant Classification Sherloc (09022015). Collection method: clinical testing. Allele origin: germline.
Comment: This sequence change replaces leucine, which is neutral and non-polar, with proline, which is neutral and non-polar, at codon 144 of the EGFR protein (p.Leu144Pro). This variant is not present in population databases (gnomAD no frequency). This variant has not been reported in the literature in individuals affected with EGFR-related conditions. ClinVar contains an entry for this variant (Variation ID: 1021163). An algorithm developed to predict the effect of missense changes on protein structure and function (PolyPhen-2) suggests that this variant is likely to be disruptive. In summary, the available evidence is currently insufficient to determine the role of this variant in disease. Therefore, it has been classified as a Variant of Uncertain Significance.

NM_005228.5(EGFR):c.431T>C (p.Leu144Pro)

Gene: EGFR (epidermal growth factor receptor; plus strand). Cytogenetic location: 7p11.2.
Variant type: single nucleotide variant.
Coding change: c.431T>C on transcript NM_005228.5 (MANE Select); coding-DNA position 431, T replaced by C.
Protein change: p.Leu144Pro; replaces leucine 144 with proline.
Molecular consequence: missense variant. On other transcripts: intron variant (3).
Genome position (GRCh38, 1-based): chr7:55,146,612, T>C. VCF-style: chr7-55146612-T-C. GRCh37 (hg19) VCF-style: chr7-55214305-T-C.
Other names: c.431T>C (NM_005228.3); c.431T>C, p.Leu144Pro (NM_001346898.2, NM_201282.2, NM_201283.2 and 1 more transcripts); c.272T>C, p.Leu91Pro (NM_001346900.2); c.424+3124T>C (NM_001346899.2, NM_001346897.2); c.89-9218T>C (NM_001346941.2); short protein forms L144P, L91P.
Identifiers: ClinVar variation 1021163 (VCV001021163.11), dbSNP rs1794773701, ClinGen allele CA367576476.